The following is an entry in ClinVar:

NM_001429.4(EP300):c.2757C>T (p.Ser919=)

Gene: EP300 (EP300 lysine acetyltransferase; plus strand). Cytogenetic location: 22q13.2.
Variant type: single nucleotide variant.
Coding change: c.2757C>T on transcript NM_001429.4 (MANE Select); coding-DNA position 2757, C replaced by T.
Protein change: p.Ser919=; no amino-acid change (serine 919 retained).
Molecular consequence: synonymous variant.
Genome position (GRCh38, 1-based): chr22:41,150,138, C>T. VCF-style: chr22-41150138-C-T. GRCh37 (hg19) VCF-style: chr22-41546142-C-T.
Other names: c.2679C>T, p.Ser893= (NM_001362843.2); c.2757C>T (NM_001429.3).
Identifiers: ClinVar variation 1965943 (VCV001965943.6), dbSNP rs774376230, ClinGen allele CA324536482.
Genomic context (GRCh38, chr22:41,150,138, plus strand): 5'-TTCACTTCCTGCTGCACCTTCTGCTGACCAGCCCCAGCAGCAGCCTCGCTCACAGCAGAG[C>T]ACAGCAGCGTCTGTTCCTACCCCAACAGCACCGCTGCTTCCTCCGCAGCCTGCAACTCCA-3'
Protein context (NP_001420.2, residues 909-929): QPQQQPRSQQ[Ser919=]TAASVPTPTA

ClinVar aggregate classification (germline): Likely benign. Review status: criteria provided, single submitter (1 of 4 stars). 2 submissions from 2 submitters: Likely benign (1). 1 of the submissions does not count toward it. Last evaluated 2022-07-03.

Conditions:
EP300-related disorder. Also called: EP300-related condition; EP300-related disorders.
Rubinstein-Taybi syndrome due to EP300 haploinsufficiency. Also called: EP300-Related Rubinstein-Taybi Syndrome; RUBINSTEIN-TAYBI SYNDROME 2. Identifiers: Orphanet 353284, Orphanet 783, MedGen C3150941, MONDO:0013364, OMIM 613684.

Allele frequency attached by ClinVar (database versions not stated): TOPMed below 0.00001; gnomAD exomes 0.00003.
gnomAD v4.1: 41 of 1,612,642 alleles (0.0025%); highest among the groups gnomAD compares: Non-Finnish European, 0.0031%; no homozygotes.

Submissions (2):

Labcorp Genetics (formerly Invitae), Labcorp
Classification: Likely benign for Rubinstein-Taybi syndrome due to EP300 haploinsufficiency. Last evaluated: 2022-07-03. Review status: criteria provided, single submitter. Criteria: Invitae Variant Classification Sherloc (09022015). Collection method: clinical testing. Allele origin: germline.

PreventionGenetics, part of Exact Sciences
Classification: Likely benign for EP300-related condition. Last evaluated: 2022-11-03. Review status: no assertion criteria provided. Collection method: clinical testing. Allele origin: germline. Not counted in ClinVar's aggregate classification.
Comment: This variant is classified as likely benign based on ACMG/AMP sequence variant interpretation guidelines (Richards et al. 2015 PMID: 25741868, with internal and published modifications).